The following is an entry in ClinVar:

ClinVar aggregate classification (germline): Uncertain significance (1 of 4 stars; one submission).

Conditions:
Sulfite oxidase deficiency due to molybdenum cofactor deficiency type A. Also called: Molybdenum cofactor deficiency, complementation group A; Molybdenum Cofactor Deficiency A. Identifiers: Orphanet 308386, Orphanet 833, MedGen C1854988, MONDO:0009643, OMIM 252150.

Allele frequency attached by ClinVar (database versions not stated): gnomAD exomes 0.00001.
gnomAD v4.1: 10 of 1,596,596 alleles (0.00063%); highest among the groups gnomAD compares: Non-Finnish European, 0.00086%; no homozygotes.

Submission:

Labcorp Genetics (formerly Invitae), Labcorp
Classification: Uncertain significance for Sulfite oxidase deficiency due to molybdenum cofactor deficiency type A. Last evaluated: 2022-01-17. Review status: criteria provided, single submitter. Criteria: Invitae Variant Classification Sherloc (09022015). Collection method: clinical testing. Allele origin: germline.
Comment: In summary, the available evidence is currently insufficient to determine the role of this variant in disease. Therefore, it has been classified as a Variant of Uncertain Significance. Algorithms developed to predict the effect of missense changes on protein structure and function are either unavailable or do not agree on the potential impact of this missense change (SIFT: "Not Available"; PolyPhen-2: "Possibly Damaging"; Align-GVGD: "Not Available"). This variant has not been reported in the literature in individuals affected with MOCS1-related conditions. This variant is not present in population databases (gnomAD no frequency). This sequence change replaces alanine, which is neutral and non-polar, with valine, which is neutral and non-polar, at codon 636 of the MOCS1 protein (p.Ala636Val).

NM_001358530.2(MOCS1):c.1907C>T (p.Ala636Val)

Gene: MOCS1 (molybdenum cofactor synthesis 1; minus strand). Cytogenetic location: 6p21.2.
Variant type: single nucleotide variant.
Coding change: c.1907C>T on transcript NM_001358530.2 (MANE Select); coding-DNA position 1907, C replaced by T.
Protein change: p.Ala636Val; replaces alanine 636 with valine.
Molecular consequence: missense variant. On other transcripts: 3 prime UTR variant (4), non-coding transcript variant (1).
Genome position (GRCh38, 1-based): chr6:39,906,361, G>A on the plus strand (C>T on the coding strand, the complement: MOCS1 is on the minus strand). VCF-style: chr6-39906361-G-A. GRCh37 (hg19) VCF-style: chr6-39874137-G-A.
Other names: c.*764C>T (NM_001075098.4, NM_001358533.2, NM_001358534.2 and 1 more transcripts); c.1859C>T, p.Ala620Val (NM_001358529.2); c.1646C>T, p.Ala549Val (NM_001358531.2); short protein forms A620V, A636V, A549V.
Identifiers: ClinVar variation 2086968 (VCV002086968.4), dbSNP rs2482249172, ClinGen allele CA364038492.
Genomic context (GRCh38, chr6:39,906,361, plus strand): 5'-CCTACATTGCATCCCAGCTCCAGGCCTGGGTGGGCCATGGGTGAGAAGGGCAGGTGCTAA[G>A]CCCGATGGAAGTCCCCCCGCTGACCACCAGTCTTGCTAATGAGCTTGATCTCCTCCAACA-3'
Protein context (NP_001345459.1, residues 626-636): TGGQRGDFHR[Ala636Val]